The following is an entry in ClinVar:

NM_006206.6(PDGFRA):c.2177A>C (p.Glu726Ala)

Gene: PDGFRA (platelet derived growth factor receptor alpha; plus strand). Cytogenetic location: 4q12.
Variant type: single nucleotide variant.
Coding change: c.2177A>C on transcript NM_006206.6 (MANE Select); coding-DNA position 2177, A replaced by C.
Protein change: p.Glu726Ala; replaces glutamic acid 726 with alanine.
Molecular consequence: missense variant.
Genome position (GRCh38, 1-based): chr4:54,280,336, A>C. VCF-style: chr4-54280336-A-C. GRCh37 (hg19) VCF-style: chr4-55146503-A-C.
Other names: c.2177A>C, p.Glu726Ala (NM_001347827.2, NM_001347829.2); c.2252A>C, p.Glu751Ala (NM_001347828.2); c.2216A>C, p.Glu739Ala (NM_001347830.2); short protein forms E726A, E751A, E739A.
Identifiers: ClinVar variation 4744607 (VCV004744607.1).

ClinVar aggregate classification (germline): Uncertain significance (1 of 4 stars; one submission).

Conditions:
Gastrointestinal stromal tumor. Also called: Gastrointestinal stromal tumor, somatic; Gastrointestinal stroma tumor. Identifiers: Orphanet 44890, MedGen C0238198, MeSH D046152, MONDO:0011719, OMIM 606764, HP:0100723.

Submission:

Labcorp Genetics (formerly Invitae), Labcorp
Classification: Uncertain significance for Gastrointestinal stromal tumor. Last evaluated: 2025-09-14. Review status: criteria provided, single submitter. Criteria: Invitae Variant Classification Sherloc (09022015). Collection method: clinical testing. Allele origin: germline.
Comment: This sequence change replaces glutamic acid, which is acidic and polar, with alanine, which is neutral and non-polar, at codon 726 of the PDGFRA protein (p.Glu726Ala). This variant is not present in population databases (gnomAD no frequency). This variant has not been reported in the literature in individuals affected with PDGFRA-related conditions. Invitae Evidence Modeling of protein sequence and biophysical properties (such as structural, functional, and spatial information, amino acid conservation, physicochemical variation, residue mobility, and thermodynamic stability) indicates that this missense variant is not expected to disrupt PDGFRA protein function with a negative predictive value of 80%. In summary, the available evidence is currently insufficient to determine the role of this variant in disease. Therefore, it has been classified as a Variant of Uncertain Significance.